The following is an entry in ClinVar:

ClinVar aggregate classification (germline): Uncertain significance. Review status: criteria provided, multiple submitters, no conflicts (2 of 4 stars). 4 submissions from 4 submitters: Uncertain significance (4). Last evaluated 2026-01-12.

Conditions:
Inborn genetic diseases. Identifiers: MedGen C0950123, MeSH D030342.

Allele frequency attached by ClinVar (database versions not stated): gnomAD 0.00006 and 0.00005; gnomAD exomes 0.00002 and 0.00004; ExAC 0.00003; TOPMed 0.00004.

Submissions (4):

Labcorp Genetics (formerly Invitae), Labcorp
Classification: Uncertain significance. Last evaluated: 2026-01-12. Review status: criteria provided, single submitter. Criteria: Invitae Variant Classification Sherloc (09022015). Collection method: clinical testing. Allele origin: germline.
Comment: This sequence change replaces isoleucine, which is neutral and non-polar, with valine, which is neutral and non-polar, at codon 261 of the EXOSC9 protein (p.Ile261Val). This variant is present in population databases (rs775234698, gnomAD 0.005%). This variant has not been reported in the literature in individuals affected with EXOSC9-related conditions. ClinVar contains an entry for this variant (Variation ID: 1469661). Invitae Evidence Modeling of protein sequence and biophysical properties (such as structural, functional, and spatial information, amino acid conservation, physicochemical variation, residue mobility, and thermodynamic stability) indicates that this missense variant is not expected to disrupt EXOSC9 protein function with a negative predictive value of 80%. In summary, the available evidence is currently insufficient to determine the role of this variant in disease. Therefore, it has been classified as a Variant of Uncertain Significance.

Ambry Genetics
Classification: Uncertain significance for Inborn genetic diseases. Last evaluated: 2025-11-26. Review status: criteria provided, single submitter. Criteria: Ambry Variant Classification Scheme 2023. Collection method: clinical testing. Allele origin: germline.

CeGaT Center for Human Genetics Tuebingen
Classification: Uncertain significance. Last evaluated: 2024-12-01. Review status: criteria provided, single submitter. Criteria: CeGaT Center For Human Genetics Tuebingen Variant Classification Criteria Version 2. Collection method: clinical testing. Allele origin: germline. Affected: yes. Observed: 1 variant allele.
Comment: EXOSC9: PM2

Breakthrough Genomics
Classification: Uncertain significance. Review status: criteria provided, single submitter. Criteria: ACMG Guidelines, 2015. Collection method: not provided. Allele origin: germline. Inheritance: Autosomal recessive inheritance. Affected: yes.

NM_005033.3(EXOSC9):c.781A>G (p.Ile261Val)

Gene: EXOSC9 (exosome component 9; plus strand). Cytogenetic location: 4q27.
Variant type: single nucleotide variant.
Coding change: c.781A>G on transcript NM_005033.3 (MANE Select); coding-DNA position 781, A replaced by G.
Protein change: p.Ile261Val; replaces isoleucine 261 with valine.
Molecular consequence: missense variant.
Genome position (GRCh38, 1-based): chr4:121,811,625, A>G. VCF-style: chr4-121811625-A-G. GRCh37 (hg19) VCF-style: chr4-122732780-A-G.
Other names: c.781A>G, p.Ile261Val (NM_001034194.2); c.781A>G (NM_001034194.1); short protein forms I261V.
Identifiers: ClinVar variation 1469661 (VCV001469661.22), dbSNP rs775234698, ClinGen allele CA3063527.